The following is an entry in ClinVar:

NM_000038.6(APC):c.136-1728A>G

Gene: APC (APC regulator of WNT signaling pathway; plus strand). Cytogenetic location: 5q22.2.
Variant type: single nucleotide variant.
Coding change: c.136-1728A>G on transcript NM_000038.6 (MANE Select); 1728 bases into the intron before coding-DNA position 136, A replaced by G.
Molecular consequence: intron variant.
Genome position (GRCh38, 1-based): chr5:112,764,598, A>G. VCF-style: chr5-112764598-A-G. GRCh37 (hg19) VCF-style: chr5-112100295-A-G.
Other names: c.136-1728A>G (NM_001354895.2, NM_001127510.3, NM_001354896.2 and 2 more transcripts); c.166-1728A>G (NM_001354897.2, NM_001354902.2, NM_001127511.3); c.61-1728A>G (NM_001354898.2, NM_001354904.2); c.-900-1728A>G (NM_001354906.2); c.-42-1728A>G (NM_001354900.2, NM_001354901.2, NM_001354905.2).
Identifiers: ClinVar variation 82862 (VCV000082862.2), dbSNP rs75064858, ClinGen allele CA004500.

ClinVar aggregate classification (germline): other (0 of 4 stars; one submission).

Conditions:
Familial colorectal cancer. Identifiers: MedGen CN280943, MONDO:0023113. Disease mechanism: loss of function.

Allele frequency attached by ClinVar (database versions not stated): gnomAD 0.00019 and 0.00027; TOPMed 0.00030; 1000 Genomes Project 0.00120; 1000 Genomes Project 30x 0.00141.
gnomAD v4.1: 41 of 152,362 alleles (0.027%); highest among the groups gnomAD compares: East Asian, 0.77%; no homozygotes.

Submission:

Systems Biology Platform Zhejiang California International NanoSystems Institute
Classification: other for Familial colorectal cancer. Review status: no assertion criteria provided. Collection method: not provided. Allele origin: unknown.
ClinVar note: Converted during submission from cancer to other.